The following is an entry in ClinVar:

NM_133433.4(NIPBL):c.7481AAG[2] (p.Glu2496del)

Gene: NIPBL (NIPBL cohesin loading factor; plus strand). Cytogenetic location: 5p13.2.
Variant type: Microsatellite.
Coding change: c.7481AAG[2] on transcript NM_133433.4 (MANE Select); two copies in a row of the 3-base unit AAG starting at c.7481; the reference has three copies in a row; one copy, 3 bases deleted; also written c.7487_7489del.
Protein change: p.Glu2496del; deletes glutamic acid 2496.
Molecular consequence: inframe deletion.
Genome position (GRCh38, 1-based): chr5:37,058,967-37,058,969, AAG deleted; deleting any 3 consecutive bases within chr5:37,058,960-37,058,969 gives the same sequence; the position shown is the placement nearest the transcript's 3' end. VCF-style (leftmost placement, unchanged base first): chr5-37058959-TGAA-T. GRCh37 (hg19) VCF-style: chr5-37059061-TGAA-T.
Other names: c.7487_7489del (NM_133433.4, NM_133433.3); c.7481AAG[2], p.Glu2496del (NM_015384.5); short protein forms E2496del.
Identifiers: ClinVar variation 2744184 (VCV002744184.5), dbSNP rs765215110, ClinGen allele CA3237213.

ClinVar aggregate classification (germline): Uncertain significance. Review status: criteria provided, multiple submitters, no conflicts (2 of 4 stars). 3 submissions from 3 submitters: Uncertain significance (3). Last evaluated 2024-08-26.

Conditions:
Cornelia de Lange syndrome 1 (CDLS1). Also called: Brachmann de Lange syndrome; TYPUS DEGENERATIVUS AMSTELODAMENSIS; NIPBL-Related Cornelia de Lange Syndrome. Identifiers: Orphanet 199, MedGen C4551851, MONDO:0007387, OMIM 122470.

Submissions (3):

GeneDx
Classification: Uncertain significance. Last evaluated: 2024-08-26. Review status: criteria provided, single submitter. Criteria: GeneDx Variant Classification Process June 2021. Collection method: clinical testing. Allele origin: germline. Affected: yes.
Comment: In-frame deletion of 1 amino acids in a non-repeat region; In silico analysis supports a deleterious effect on protein structure/function; Has not been previously published as pathogenic or benign to our knowledge

Fulgent Genetics
Classification: Uncertain significance for Cornelia de Lange syndrome 1. Last evaluated: 2024-06-04. Review status: criteria provided, single submitter. Criteria: ACMG Guidelines, 2015. Collection method: clinical testing. Allele origin: germline.

Labcorp Genetics (formerly Invitae), Labcorp
Classification: Uncertain significance for Cornelia de Lange syndrome 1. Last evaluated: 2023-11-25. Review status: criteria provided, single submitter. Criteria: Invitae Variant Classification Sherloc (09022015). Collection method: clinical testing. Allele origin: germline.
Comment: This variant, c.7487_7489del, results in the deletion of 1 amino acid(s) of the NIPBL protein (p.Glu2496del), but otherwise preserves the integrity of the reading frame. This variant is present in population databases (rs765215110, gnomAD 0.01%). This variant has not been reported in the literature in individuals affected with NIPBL-related conditions. Experimental studies and prediction algorithms are not available or were not evaluated, and the functional significance of this variant is currently unknown. In summary, the available evidence is currently insufficient to determine the role of this variant in disease. Therefore, it has been classified as a Variant of Uncertain Significance.